The following is an entry in ClinVar:

ClinVar aggregate classification (germline): Uncertain significance (1 of 4 stars; one submission).

Conditions:
Malignant hyperthermia, susceptibility to, 1 (MHS1). Also called: RYR1-Related Malignant Hyperthermia Susceptibility; Anesthesia related hyperthermia; Malignant hyperpyrexia; Fulminating hyperpyrexia; Pharmacogenic myopathy; Malignant hyperthermia suceptibility 1. Identifiers: Orphanet 423, MedGen C2930980, MONDO:0007783, OMIM 145600.

Allele frequency attached by ClinVar (database versions not stated): gnomAD exomes below 0.00001; TOPMed below 0.00001; gnomAD 0.00001; ExAC 0.00002.
gnomAD v4.1: 7 of 1,612,394 alleles (0.00043%); highest among the groups gnomAD compares: African/African-American, 0.0053%; no homozygotes.

Submission:

All of Us Research Program, National Institutes of Health
Classification: Uncertain significance for Malignant hyperthermia, susceptibility to, 1. Last evaluated: 2024-07-29. Review status: criteria provided, single submitter. Criteria: ACMG Guidelines, 2015. Collection method: clinical testing. Allele origin: germline. Inheritance: Autosomal dominant inheritance. Observed: 2 variant alleles, 2 heterozygotes.
Comment: This missense variant replaces arginine with glutamine at codon 1808 of the RYR1 protein. Computational prediction suggests that this variant may not impact protein structure and function (internally defined REVEL score threshold <= 0.5, PMID: 27666373). To our knowledge, functional studies have not been reported for this variant. This variant has not been reported in individuals affected with RYR1-related disorders in the literature. This variant has been identified in 1/240286 chromosomes in the general population by the Genome Aggregation Database (gnomAD). The available evidence is insufficient to determine the role of this variant in disease conclusively. Therefore, this variant is classified as a Variant of Uncertain Significance.

This study involves interpretation of variants in research participants for the purpose of population health screening. Participant phenotype was not available at the time of variant classification. Additional details can be found in publication PMID: 35346344, PMCID: PMC8962531

NM_000540.3(RYR1):c.5423G>A (p.Arg1808Gln)

Gene: RYR1 (ryanodine receptor 1; plus strand). Cytogenetic location: 19q13.2.
Variant type: single nucleotide variant.
Coding change: c.5423G>A on transcript NM_000540.3 (MANE Select); coding-DNA position 5423, G replaced by A.
Protein change: p.Arg1808Gln; replaces arginine 1808 with glutamine.
Molecular consequence: missense variant.
Genome position (GRCh38, 1-based): chr19:38,486,078, G>A. VCF-style: chr19-38486078-G-A. GRCh37 (hg19) VCF-style: chr19-38976718-G-A.
Other names: c.5423G>A, p.Arg1808Gln (NM_001042723.2); short protein forms R1808Q.
Identifiers: ClinVar variation 3069647 (VCV003069647.2), dbSNP rs770002604, ClinGen allele CA067087.